The following is an entry in ClinVar:

ClinVar aggregate classification (germline): Uncertain significance (1 of 4 stars; one submission).

Conditions:
Hereditary cancer-predisposing syndrome. Also called: Neoplastic Syndromes, Hereditary; Tumor predisposition; Hereditary neoplastic syndrome; Hereditary Cancer Syndrome. Identifiers: Orphanet 140162, MedGen C0027672, MeSH D009386, MONDO:0015356.

gnomAD v4.1: 1 of 1,614,136 alleles (0.000062%); highest among the groups gnomAD compares: Non-Finnish European, 0.000085%; no homozygotes.

Submission:

Ambry Genetics
Classification: Uncertain significance for Hereditary cancer-predisposing syndrome. Last evaluated: 2026-07-17. Review status: criteria provided, single submitter. Criteria: Ambry Variant Classification Scheme 2023. Collection method: clinical testing. Allele origin: germline.
Comment: The p.N2057S variant (also known as c.6170A>G), located in coding exon 45 of the POLE gene, results from an A to G substitution at nucleotide position 6170. The asparagine at codon 2057 is replaced by serine, an amino acid with highly similar properties. This amino acid position is conserved. In addition, this alteration is predicted to be tolerated by in silico analysis. Based on the available evidence, the clinical significance of this variant remains unclear.

NM_006231.4(POLE):c.6170A>G (p.Asn2057Ser)

Gene: POLE (DNA polymerase epsilon, catalytic subunit; minus strand). Cytogenetic location: 12q24.33.
Variant type: single nucleotide variant.
Coding change: c.6170A>G on transcript NM_006231.4 (MANE Select); coding-DNA position 6170, A replaced by G.
Protein change: p.Asn2057Ser; replaces asparagine 2057 with serine.
Molecular consequence: missense variant.
Genome position (GRCh38, 1-based): chr12:132,632,475, T>C on the plus strand (A>G on the coding strand, the complement: POLE is on the minus strand). VCF-style: chr12-132632475-T-C. GRCh37 (hg19) VCF-style: chr12-133209061-T-C.
Other names: short protein forms N2057S.
Identifiers: ClinVar variation 5027025 (VCV005027025.1).
Genomic context (GRCh38, chr12:132,632,475, plus strand): 5'-GAGCCTGTGACTTTCTTCTGAATCTTCTGAGTGATGGTGAAGAAGCTCTGAGTGAGCTCA[T>C]TTGCGACATAATCCTGAGAGAAGGTGATCATTCCTGGAAGTATAAGGATGCTGAGGGAGG-3'
Protein context (NP_006222.2, residues 2047-2067): MITFSQDYVA[Asn2057Ser]ELTQSFFTIT